The following is an entry in ClinVar:

ClinVar aggregate classification (germline): Conflicting classifications of pathogenicity. Review status: criteria provided, conflicting classifications (1 of 4 stars). 4 submissions from 4 submitters: Uncertain significance (2); Likely benign (2). Last evaluated 2025-04-08.

Conditions:
Inborn genetic diseases. Identifiers: MedGen C0950123, MeSH D030342.
Developmental and epileptic encephalopathy, 77. Also called: GLYCOSYLPHOSPHATIDYLINOSITOL BIOSYNTHESIS DEFECT 19; MULTIPLE CONGENITAL ANOMALIES-HYPOTONIA-SEIZURES SYNDROME 4; EPILEPTIC ENCEPHALOPATHY, EARLY INFANTILE, 77. Identifiers: MedGen C5231405, MONDO:0032808, OMIM 618548.
Epilepsy. Also called: Seizure disorder. Identifiers: MedGen C0014544, MeSH D004827, MONDO:0005027.

Allele frequency attached by ClinVar (database versions not stated): 1000 Genomes Project 30x 0.00047; TOPMed 0.00053; 1000 Genomes Project 0.00060.
gnomAD v4.1: 130 of 1,611,966 alleles (0.0081%); highest among the groups gnomAD compares: African/African-American, 0.15%; no homozygotes.

Submissions (4):

ARUP Laboratories, Molecular Genetics and Genomics, ARUP Laboratories
Classification: Likely benign for Developmental and epileptic encephalopathy, 77. Last evaluated: 2025-04-08. Review status: criteria provided, single submitter. Criteria: ARUP Molecular Germline Variant Investigation Process 2024. Collection method: clinical testing. Allele origin: germline.

Blueprint Genetics
Classification: Uncertain significance. Last evaluated: 2024-07-29. Review status: criteria provided, single submitter. Criteria: ACMG Guidelines, 2015. Collection method: clinical testing. Allele origin: germline.

Ambry Genetics
Classification: Likely benign for Inborn genetic diseases. Last evaluated: 2024-01-12. Review status: criteria provided, single submitter. Criteria: Ambry Variant Classification Scheme 2023. Collection method: clinical testing. Allele origin: germline.

Labcorp Genetics (formerly Invitae), Labcorp
Classification: Uncertain significance for Epilepsy. Last evaluated: 2022-10-17. Review status: criteria provided, single submitter. Criteria: Invitae Variant Classification Sherloc (09022015). Collection method: clinical testing. Allele origin: germline.
Comment: This sequence change replaces threonine, which is neutral and polar, with serine, which is neutral and polar, at codon 543 of the PIGQ protein (p.Thr543Ser). This variant is present in population databases (rs142961139, gnomAD 0.2%). This variant has not been reported in the literature in individuals affected with PIGQ-related conditions. ClinVar contains an entry for this variant (Variation ID: 567020). Algorithms developed to predict the effect of missense changes on protein structure and function (SIFT, PolyPhen-2, Align-GVGD) all suggest that this variant is likely to be tolerated. In summary, the available evidence is currently insufficient to determine the role of this variant in disease. Therefore, it has been classified as a Variant of Uncertain Significance.

NM_004204.5(PIGQ):c.1628C>G (p.Thr543Ser)

Gene: PIGQ (phosphatidylinositol glycan anchor biosynthesis class Q; plus strand). Cytogenetic location: 16p13.3.
Variant type: single nucleotide variant.
Coding change: c.1628C>G on transcript NM_004204.5 (MANE Select); coding-DNA position 1628, C replaced by G.
Protein change: p.Thr543Ser; replaces threonine 543 with serine.
Molecular consequence: missense variant.
Genome position (GRCh38, 1-based): chr16:582,917, C>G. VCF-style: chr16-582917-C-G. GRCh37 (hg19) VCF-style: chr16-632917-C-G.
Other names: c.1566C>G, p.His522Gln (NM_148920.4); c.1566C>G (NM_148920.1); short protein forms T543S, H522Q.
Identifiers: ClinVar variation 567020 (VCV000567020.8), dbSNP rs142961139, ClinGen allele CA7780497.